The following is an entry in ClinVar:

ClinVar aggregate classification (germline): Likely benign (1 of 4 stars; one submission).

Allele frequency attached by ClinVar (database versions not stated): gnomAD exomes below 0.00001; TOPMed 0.00001 and 0.00002; gnomAD 0.00001.
gnomAD v4.1: 3 of 1,613,648 alleles (0.00019%); highest among the groups gnomAD compares: African/African-American, 0.004%; no homozygotes.

Submission:

GeneDx
Classification: Likely benign. Last evaluated: 2015-10-28. Review status: criteria provided, single submitter. Criteria: GeneDx Variant Classification (06012015). Collection method: clinical testing. Allele origin: germline. Affected: yes.
Comment: This variant is considered likely benign or benign based on one or more of the following criteria: it is a conservative change, it occurs at a poorly conserved position in the protein, it is predicted to be benign by multiple in silico algorithms, and/or has population frequency not consistent with disease.

NM_006912.6(RIT1):c.-43-18T>C

Gene: RIT1 (Ras like without CAAX 1; minus strand). Cytogenetic location: 1q22.
Variant type: single nucleotide variant.
Coding change: c.-43-18T>C on transcript NM_006912.6 (MANE Select); 18 bases into the intron before 43 bases upstream of the start codon, T replaced by C.
Molecular consequence: intron variant.
Genome position (GRCh38, 1-based): chr1:155,910,822, A>G on the plus strand (T>C on the coding strand, the complement: RIT1 is on the minus strand). VCF-style: chr1-155910822-A-G. GRCh37 (hg19) VCF-style: chr1-155880613-A-G.
Other names: c.-43-18T>C (LRG_1372t1); c.-2-316T>C (NM_001256820.2); c.9-18T>C (NM_001256821.2).
Identifiers: ClinVar variation 381044 (VCV000381044.1), dbSNP rs1057520939, ClinGen allele CA16603423.